The following is an entry in ClinVar:

NM_001303256.3(MORC2):c.2680A>G (p.Ile894Val)

Gene: MORC2 (MORC family CW-type zinc finger 2; minus strand). Cytogenetic location: 22q12.2.
Variant type: single nucleotide variant.
Coding change: c.2680A>G on transcript NM_001303256.3 (MANE Select); coding-DNA position 2680, A replaced by G.
Protein change: p.Ile894Val; replaces isoleucine 894 with valine.
Molecular consequence: missense variant.
Genome position (GRCh38, 1-based): chr22:30,932,612, T>C on the plus strand (A>G on the coding strand, the complement: MORC2 is on the minus strand). VCF-style: chr22-30932612-T-C. GRCh37 (hg19) VCF-style: chr22-31328599-T-C.
Other names: c.2680A>G, p.Ile894Val (NM_001303257.2); c.2494A>G, p.Ile832Val (NM_014941.3); short protein forms I832V, I894V.
Identifiers: ClinVar variation 2141826 (VCV002141826.4), dbSNP rs1376706321, ClinGen allele CA411231824.

ClinVar aggregate classification (germline): Uncertain significance (1 of 4 stars; one submission).

Conditions:
Charcot-Marie-Tooth disease axonal type 2Z. Also called: CHARCOT-MARIE-TOOTH DISEASE, AXONAL, AUTOSOMAL DOMINANT, TYPE 2Z; CHARCOT-MARIE-TOOTH NEUROPATHY, TYPE 2Z. Identifiers: Orphanet 466768, MedGen C5569025, MONDO:0014736, OMIM 616688.

Allele frequency attached by ClinVar (database versions not stated): gnomAD 0.00001; gnomAD exomes 0.00001.
gnomAD v4.1: 9 of 1,614,034 alleles (0.00056%); highest among the groups gnomAD compares: East Asian, 0.0022%; 1 homozygote.

Submission:

Labcorp Genetics (formerly Invitae), Labcorp
Classification: Uncertain significance for Charcot-Marie-Tooth disease axonal type 2Z. Last evaluated: 2025-02-26. Review status: criteria provided, single submitter. Criteria: Invitae Variant Classification Sherloc (09022015). Collection method: clinical testing. Allele origin: germline.
Comment: This sequence change replaces isoleucine, which is neutral and non-polar, with valine, which is neutral and non-polar, at codon 894 of the MORC2 protein (p.Ile894Val). This variant is present in population databases (no rsID available, gnomAD 0.006%). This variant has not been reported in the literature in individuals affected with MORC2-related conditions. ClinVar contains an entry for this variant (Variation ID: 2141826). Invitae Evidence Modeling of protein sequence and biophysical properties (such as structural, functional, and spatial information, amino acid conservation, physicochemical variation, residue mobility, and thermodynamic stability) indicates that this missense variant is not expected to disrupt MORC2 protein function with a negative predictive value of 80%. In summary, the available evidence is currently insufficient to determine the role of this variant in disease. Therefore, it has been classified as a Variant of Uncertain Significance.